The following is an entry in ClinVar:

ClinVar aggregate classification (germline): Uncertain significance. Review status: criteria provided, multiple submitters, no conflicts (2 of 4 stars). 2 submissions from 2 submitters: Uncertain significance (2). Last evaluated 2024-08-31.

Conditions:
Intellectual disability-facial dysmorphism syndrome due to SETD5 haploinsufficiency (MRD23). Also called: Intellectual developmental disorder, autosomal dominant 23. Identifiers: Orphanet 404440, MedGen C3810406, MONDO:0014336, OMIM 615761.

gnomAD v4.1: 3 of 1,613,938 alleles (0.00019%); highest among the groups gnomAD compares: South Asian, 0.0011%; no homozygotes.

Submissions (2):

Labcorp Genetics (formerly Invitae), Labcorp
Classification: Uncertain significance. Last evaluated: 2024-08-31. Review status: criteria provided, single submitter. Criteria: Invitae Variant Classification Sherloc (09022015). Collection method: clinical testing. Allele origin: germline.
Comment: This sequence change replaces aspartic acid, which is acidic and polar, with valine, which is neutral and non-polar, at codon 1015 of the SETD5 protein (p.Asp1015Val). This variant is not present in population databases (gnomAD no frequency). This variant has not been reported in the literature in individuals affected with SETD5-related conditions. Invitae Evidence Modeling of protein sequence and biophysical properties (such as structural, functional, and spatial information, amino acid conservation, physicochemical variation, residue mobility, and thermodynamic stability) indicates that this missense variant is not expected to disrupt SETD5 protein function with a negative predictive value of 80%. In summary, the available evidence is currently insufficient to determine the role of this variant in disease. Therefore, it has been classified as a Variant of Uncertain Significance.

Institute of Immunology and Genetics Kaiserslautern
Classification: Uncertain significance for Intellectual disability-facial dysmorphism syndrome due to SETD5 haploinsufficiency. Last evaluated: 2024-04-25. Review status: criteria provided, single submitter. Criteria: ACMG Guidelines, 2015. Collection method: clinical testing. Allele origin: germline. Affected: yes.
Comment: ACMG Criteria: PM2, PP3; Variant was found in heterozygous state

NM_001080517.3(SETD5):c.3044A>T (p.Asp1015Val)

Gene: SETD5 (SET domain containing 5; plus strand). Cytogenetic location: 3p25.3.
Variant type: single nucleotide variant.
Coding change: c.3044A>T on transcript NM_001080517.3 (MANE Select); coding-DNA position 3044, A replaced by T.
Protein change: p.Asp1015Val; replaces aspartic acid 1015 with valine.
Molecular consequence: missense variant.
Genome position (GRCh38, 1-based): chr3:9,470,778, A>T. VCF-style: chr3-9470778-A-T. GRCh37 (hg19) VCF-style: chr3-9512462-A-T.
Other names: c.2750A>T, p.Asp917Val (NM_001292043.2, NM_001349451.2); short protein forms D1015V, D917V.
Identifiers: ClinVar variation 3235075 (VCV003235075.3), dbSNP rs2473810719, ClinGen allele CA351681851.